The following is an entry in ClinVar:

ClinVar aggregate classification (germline): Uncertain significance (1 of 4 stars; one submission).

Allele frequency attached by ClinVar (database versions not stated): gnomAD exomes below 0.00001; ExAC 0.00001; gnomAD 0.00001; 1000 Genomes Project 0.00040; 1000 Genomes Project 30x 0.00062.
gnomAD v4.1: 4 of 1,614,072 alleles (0.00025%); highest among the groups gnomAD compares: Admixed American, 0.0067%; no homozygotes.

Submission:

Labcorp Genetics (formerly Invitae), Labcorp
Classification: Uncertain significance. Last evaluated: 2024-10-16. Review status: criteria provided, single submitter. Criteria: Invitae Variant Classification Sherloc (09022015). Collection method: clinical testing. Allele origin: germline.
Comment: This sequence change falls in intron 6 of the TIMM50 gene. It does not directly change the encoded amino acid sequence of the TIMM50 protein. It affects a nucleotide within the consensus splice site. This variant is present in population databases (rs540869482, gnomAD 0.003%). This variant has not been reported in the literature in individuals affected with TIMM50-related conditions. ClinVar contains an entry for this variant (Variation ID: 2414644). Variants that disrupt the consensus splice site are a relatively common cause of aberrant splicing (PMID: 17576681, 9536098). Algorithms developed to predict the effect of sequence changes on RNA splicing suggest that this variant is not likely to affect RNA splicing. In summary, the available evidence is currently insufficient to determine the role of this variant in disease. Therefore, it has been classified as a Variant of Uncertain Significance.

Literature cited by the submitters: PubMed 17576681; PubMed 9536098.

NM_001001563.5(TIMM50):c.493-3C>T

Gene: TIMM50 (translocase of inner mitochondrial membrane 50; plus strand). Cytogenetic location: 19q13.2.
Variant type: single nucleotide variant.
Coding change: c.493-3C>T on transcript NM_001001563.5 (MANE Select); 3 bases into the intron before coding-DNA position 493, C replaced by T.
Molecular consequence: intron variant.
Genome position (GRCh38, 1-based): chr19:39,486,184, C>T. VCF-style: chr19-39486184-C-T. GRCh37 (hg19) VCF-style: chr19-39976824-C-T.
Other names: c.154-3C>T (NM_001329559.2).
Identifiers: ClinVar variation 2414644 (VCV002414644.5), dbSNP rs540869482, ClinGen allele CA9431869.